The following is an entry in ClinVar:

NM_006755.2(TALDO1):c.289A>T (p.Lys97Ter)

Gene: TALDO1 (transaldolase 1; plus strand). Cytogenetic location: 11p15.5.
Variant type: single nucleotide variant.
Coding change: c.289A>T on transcript NM_006755.2 (MANE Select); coding-DNA position 289, A replaced by T.
Protein change: p.Lys97Ter; replaces lysine 97 with a stop codon.
Molecular consequence: nonsense.
Genome position (GRCh38, 1-based): chr11:759,017, A>T. VCF-style: chr11-759017-A-T. GRCh37 (hg19) VCF-style: chr11-759017-A-T.
Other names: short protein forms K97*.
Identifiers: ClinVar variation 3679268 (VCV003679268.2).

ClinVar aggregate classification (germline): Pathogenic (1 of 4 stars; one submission).

gnomAD v4.1: 1 of 1,613,230 alleles (0.000062%); no homozygotes.

Submission:

Labcorp Genetics (formerly Invitae), Labcorp
Classification: Pathogenic. Last evaluated: 2024-12-12. Review status: criteria provided, single submitter. Criteria: Invitae Variant Classification Sherloc (09022015). Collection method: clinical testing. Allele origin: germline.
Comment: This sequence change creates a premature translational stop signal (p.Lys97*) in the TALDO1 gene. It is expected to result in an absent or disrupted protein product. Loss-of-function variants in TALDO1 are known to be pathogenic (PMID: 23315216, 26238251). This variant is not present in population databases (gnomAD no frequency). This variant has not been reported in the literature in individuals affected with TALDO1-related conditions. For these reasons, this variant has been classified as Pathogenic.

Literature cited by the submitters: PubMed 23315216; PubMed 26238251.